The following is an entry in ClinVar:

NM_170707.4(LMNA):c.332A>G (p.Glu111Gly)

Gene: LMNA (lamin A/C; plus strand). Cytogenetic location: 1q22.
Variant type: single nucleotide variant.
Coding change: c.332A>G on transcript NM_170707.4 (MANE Select); coding-DNA position 332, A replaced by G.
Protein change: p.Glu111Gly; replaces glutamic acid 111 with glycine.
Molecular consequence: missense variant.
Genome position (GRCh38, 1-based): chr1:156,115,250, A>G. VCF-style: chr1-156115250-A-G. GRCh37 (hg19) VCF-style: chr1-156085041-A-G.
Other names: c.332A>G, p.Glu111Gly (NM_001282625.2, NM_001282626.2, NM_005572.4 and 1 more transcripts); short protein forms E111G.
Identifiers: ClinVar variation 1513940 (VCV001513940.6), dbSNP rs1649741467, ClinGen allele CA342808848.

ClinVar aggregate classification (germline): Uncertain significance (1 of 4 stars; one submission).

Conditions:
Charcot-Marie-Tooth disease type 2. Also called: Charcot-Marie-Tooth type 2. Identifiers: Orphanet 64746, MedGen C0270914, MONDO:0018993.

Allele frequency attached by ClinVar (database versions not stated): TOPMed below 0.00001.

Submission:

Labcorp Genetics (formerly Invitae), Labcorp
Classification: Uncertain significance for Charcot-Marie-Tooth disease type 2. Last evaluated: 2021-08-19. Review status: criteria provided, single submitter. Criteria: Invitae Variant Classification Sherloc (09022015). Collection method: clinical testing. Allele origin: germline.
Comment: In summary, the available evidence is currently insufficient to determine the role of this variant in disease. Therefore, it has been classified as a Variant of Uncertain Significance. Algorithms developed to predict the effect of missense changes on protein structure and function (SIFT, PolyPhen-2, Align-GVGD) all suggest that this variant is likely to be disruptive. This variant has not been reported in the literature in individuals affected with LMNA-related conditions. This variant is not present in population databases (ExAC no frequency). This sequence change replaces glutamic acid with glycine at codon 111 of the LMNA protein (p.Glu111Gly). The glutamic acid residue is highly conserved and there is a moderate physicochemical difference between glutamic acid and glycine.